The following is an entry in ClinVar:

NM_015001.3(SPEN):c.7115_7116del (p.Gly2372fs)

Gene: SPEN (spen family transcriptional repressor; plus strand). Cytogenetic location: 1p36.13.
Variant type: Deletion.
Coding change: c.7115_7116del on transcript NM_015001.3 (MANE Select); coding-DNA positions 7115 to 7116, 2 bases deleted (GG; older notation c.7115_7116delGG).
Protein change: p.Gly2372fs; shifts the reading frame from glycine 2372.
Molecular consequence: frameshift variant.
Genome position (GRCh38, 1-based): chr1:15,933,355-15,933,356, GG deleted; deleting any 2 consecutive bases within chr1:15,933,353-15,933,356 gives the same sequence; the c. name uses the placement nearest the transcript's 3' end. VCF-style (leftmost placement, unchanged base first): chr1-15933352-AGG-A. GRCh37 (hg19) VCF-style: chr1-16259847-AGG-A.
Other names: short protein forms G2372fs.
Identifiers: ClinVar variation 3366955 (VCV003366955.1).

ClinVar aggregate classification (germline): Pathogenic (1 of 4 stars; one submission).

Conditions:
Radio-Tartaglia syndrome. Identifiers: Orphanet 662234, MedGen C5543339, MONDO:0859143, OMIM 619312.

Submission:

Institute of Immunology and Genetics Kaiserslautern
Classification: Pathogenic for Radio-Tartaglia syndrome. Last evaluated: 2023-10-02. Review status: criteria provided, single submitter. Criteria: ACMG Guidelines, 2015. Collection method: clinical testing. Allele origin: de novo. Affected: yes.
Comment: ACMG Criteria: PM2_P, PVS1, PS2; Variant was found in heterozygous state. De novo-status was confirmed via in-house segregation analysis.